The following is an entry in ClinVar:

NM_019109.5(ALG1):c.1097T>A (p.Leu366Gln)

Gene: ALG1 (ALG1 chitobiosyldiphosphodolichol beta-mannosyltransferase; plus strand). Cytogenetic location: 16p13.3.
Variant type: single nucleotide variant.
Coding change: c.1097T>A on transcript NM_019109.5 (MANE Select); coding-DNA position 1097, T replaced by A.
Protein change: p.Leu366Gln; replaces leucine 366 with glutamine.
Molecular consequence: missense variant.
Genome position (GRCh38, 1-based): chr16:5,082,583, T>A. VCF-style: chr16-5082583-T-A. GRCh37 (hg19) VCF-style: chr16-5132584-T-A.
Other names: c.764T>A, p.Leu255Gln (NM_001330504.2); short protein forms L255Q, L366Q.
Identifiers: ClinVar variation 690325 (VCV000690325.2), dbSNP rs1596261208, ClinGen allele CA394673797.

ClinVar aggregate classification (germline): Pathogenic. Review status: criteria provided, single submitter (1 of 4 stars). 2 submissions from 2 submitters: Pathogenic (1). 1 of the submissions does not count toward it. Last evaluated 2022-01-03.

Conditions:
Congenital disorder of glycosylation (CDG). Also called: Carbohydrate-deficient glycoprotein syndrome; Congenital disorders of glycosylation. Identifiers: Orphanet 137, MedGen C0282577, MONDO:0015286.
ALG1-congenital disorder of glycosylation. Also called: CONGENITAL DISORDER OF GLYCOSYLATION, TYPE Ik; CDG Ik; ALG1-CDG. Identifiers: Orphanet 79327, MedGen C2931005, MONDO:0012052, OMIM 608540.

Submissions (2):

3billion
Classification: Pathogenic for ALG1-congenital disorder of glycosylation. Last evaluated: 2022-01-03. Review status: criteria provided, single submitter. Criteria: ACMG Guidelines, 2015. Collection method: clinical testing. Allele origin: germline. Affected: yes. Observed: 1 homozygote.
Comment: Same nucleotide change resulting in same amino acid change has been previously reported to be associated with ALG1 related disorder (ClinVar ID: VCV000690325, PMID:26931382, PS1_P). Functional studies provide strong evidence of the variant having a damaging effect on the gene or gene product (, PS3_S). In silico tool predictions suggest damaging effect of the variant on gene or gene product (REVEL: 0.96, 3CNET: 0.949, PP3_P). A missense variant is a common mechanism associated with Congenital disorder of glycosylation (PP2_P). It is not observed in the gnomAD v2.1.1 dataset (PM2_M). The variant is located in a well-established functional domain or exonic hotspot, where pathogenic variants have frequently reported (PM1_M).Therefore, this variant is classified as pathogenic according to the recommendation of ACMG/AMP guideline.

University of Washington Center for Mendelian Genomics, University of Washington
Classification: Likely pathogenic for Congenital disorder of glycosylation. Last evaluated: 2017-05-25. Review status: no assertion criteria provided. Collection method: research. Allele origin: unknown. Affected: yes. Not counted in ClinVar's aggregate classification.

Literature cited by the submitters: PubMed 26931382 (cited by 3billion and University of Washington Center for Mendelian Genomics, University of Washington).